The following is an entry in ClinVar:

ClinVar aggregate classification (germline): Uncertain significance (1 of 4 stars; one submission).

gnomAD v4.1: 2 of 1,519,116 alleles (0.00013%); highest among the groups gnomAD compares: East Asian, 0.0025%; no homozygotes.

Submission:

Ambry Genetics
Classification: Uncertain significance. Last evaluated: 2024-10-21. Review status: criteria provided, single submitter. Criteria: Ambry Variant Classification Scheme 2023. Collection method: clinical testing. Allele origin: germline.
Comment: The p.S77L variant (also known as c.230C>T), located in coding exon 4 of the FAM175A gene, results from a C to T substitution at nucleotide position 230. The serine at codon 77 is replaced by leucine, an amino acid with dissimilar properties. This amino acid position is conserved. In addition, this alteration is predicted to be tolerated by in silico analysis. Based on the available evidence, the clinical significance of this variant remains unclear.

NM_139076.3(ABRAXAS1):c.230C>T (p.Ser77Leu)

Gene: ABRAXAS1 (abraxas 1, BRCA1 A complex subunit; minus strand). Cytogenetic location: 4q21.23.
Variant type: single nucleotide variant.
Coding change: c.230C>T on transcript NM_139076.3 (MANE Select); coding-DNA position 230, C replaced by T.
Protein change: p.Ser77Leu; replaces serine 77 with leucine.
Molecular consequence: missense variant. On other transcripts: intron variant (1).
Genome position (GRCh38, 1-based): chr4:83,472,274, G>A on the plus strand (C>T on the coding strand, the complement: ABRAXAS1 is on the minus strand). VCF-style: chr4-83472274-G-A. GRCh37 (hg19) VCF-style: chr4-84393427-G-A.
Other names: c.-45-1878C>T (NM_001345962.2); short protein forms S77L.
Identifiers: ClinVar variation 3445575 (VCV003445575.1).